The following is an entry in ClinVar:

NM_004329.3(BMPR1A):c.630T>C (p.Ile210=)

Gene: BMPR1A (bone morphogenetic protein receptor type 1A; plus strand). Cytogenetic location: 10q23.2.
Variant type: single nucleotide variant.
Coding change: c.630T>C on transcript NM_004329.3 (MANE Select); coding-DNA position 630, T replaced by C.
Protein change: p.Ile210=; no amino-acid change (isoleucine 210 retained).
Molecular consequence: synonymous variant. On other transcripts: non-coding transcript variant (3), intron variant (1).
Genome position (GRCh38, 1-based): chr10:86,912,339, T>C. VCF-style: chr10-86912339-T-C. GRCh37 (hg19) VCF-style: chr10-88672096-T-C.
Other names: c.630T>C, p.Ile210= (NM_001406579.1, NM_001406580.1, NM_001406561.1 and 20 more transcripts); c.705T>C, p.Ile235= (NM_001406559.1); c.678T>C, p.Ile226= (NM_001406560.1); c.546T>C, p.Ile182= (NM_001406584.1, NM_001406585.1, NM_001406586.1 and 2 more transcripts); c.334-4795T>C (NM_001406589.1).
Identifiers: ClinVar variation 2565020 (VCV002565020.3), dbSNP rs2539573920, ClinGen allele CA470307696.

ClinVar aggregate classification (germline): Benign/Likely benign. Review status: criteria provided, multiple submitters, no conflicts (2 of 4 stars). 2 submissions from 2 submitters: Benign (1); Likely benign (1). Last evaluated 2024-08-01.

Conditions:
Juvenile polyposis syndrome (JPS). Identifiers: Orphanet 2929, MedGen C0345893, MONDO:0017380, OMIM 174900.
Hereditary cancer-predisposing syndrome. Also called: Neoplastic Syndromes, Hereditary; Hereditary Cancer Syndrome; Tumor predisposition; Hereditary neoplastic syndrome. Identifiers: Orphanet 140162, MedGen C0027672, MeSH D009386, MONDO:0015356.

Submissions (2):

Myriad Genetics, Inc.
Classification: Benign for Juvenile polyposis syndrome. Last evaluated: 2024-08-01. Review status: criteria provided, single submitter. Criteria: Myriad Autosomal Dominant, Autosomal Recessive and X-Linked Classification Criteria (2023). Collection method: clinical testing. Allele origin: unknown.
Comment: This variant is considered benign. This variant is a silent/synonymous amino acid change and it is not expected to impact splicing.

Ambry Genetics
Classification: Likely benign for Hereditary cancer-predisposing syndrome. Last evaluated: 2023-04-08. Review status: criteria provided, single submitter. Criteria: Ambry Variant Classification Scheme 2023. Collection method: clinical testing. Allele origin: germline.